The following is an entry in ClinVar:

ClinVar aggregate classification (germline): Uncertain significance (1 of 4 stars; one submission).

Conditions:
Alstrom syndrome (ALMS). Identifiers: Orphanet 64, MedGen C0268425, MONDO:0008763, OMIM 203800.

Submission:

Labcorp Genetics (formerly Invitae), Labcorp
Classification: Uncertain significance for Alstrom syndrome. Last evaluated: 2022-01-06. Review status: criteria provided, single submitter. Criteria: Invitae Variant Classification Sherloc (09022015). Collection method: clinical testing. Allele origin: germline.
Comment: In summary, the available evidence is currently insufficient to determine the role of this variant in disease. Therefore, it has been classified as a Variant of Uncertain Significance. Experimental studies and prediction algorithms are not available or were not evaluated, and the functional significance of this variant is currently unknown. This variant has not been reported in the literature in individuals affected with ALMS1-related conditions. This variant is not present in population databases (gnomAD no frequency). This sequence change replaces alanine with valine at codon 143 of the ALMS1 protein (p.Ala143Val). The alanine residue is weakly conserved and there is a small physicochemical difference between alanine and valine.

NM_001378454.1(ALMS1):c.425C>T (p.Ala142Val)

Gene: ALMS1 (ALMS1 centrosome and basal body associated protein; plus strand). Cytogenetic location: 2p13.1.
Variant type: single nucleotide variant.
Coding change: c.425C>T on transcript NM_001378454.1 (MANE Select); coding-DNA position 425, C replaced by T.
Protein change: p.Ala142Val; replaces alanine 142 with valine.
Molecular consequence: missense variant.
Genome position (GRCh38, 1-based): chr2:73,408,722, C>T. VCF-style: chr2-73408722-C-T. GRCh37 (hg19) VCF-style: chr2-73635850-C-T.
Other names: c.428C>T, p.Ala143Val (NM_015120.4); short protein forms A142V, A143V.
Identifiers: ClinVar variation 1375010 (VCV001375010.4), dbSNP rs2103675826, ClinGen allele CA347257703.